The following is an entry in ClinVar:

NM_000760.4(CSF3R):c.2123C>T (p.Pro708Leu)

Gene: CSF3R (colony stimulating factor 3 receptor; minus strand). Cytogenetic location: 1p34.3.
Variant type: single nucleotide variant.
Coding change: c.2123C>T on transcript NM_000760.4 (MANE Select); coding-DNA position 2123, C replaced by T.
Protein change: p.Pro708Leu; replaces proline 708 with leucine.
Molecular consequence: missense variant.
Genome position (GRCh38, 1-based): chr1:36,466,745, G>A on the plus strand (C>T on the coding strand, the complement: CSF3R is on the minus strand). VCF-style: chr1-36466745-G-A. GRCh37 (hg19) VCF-style: chr1-36932346-G-A.
Other names: c.2204C>T, p.Pro735Leu (NM_156039.3); c.2123C>T, p.Pro708Leu (NM_172313.3); short protein forms P708L, P735L.
Identifiers: ClinVar variation 2851239 (VCV002851239.3), dbSNP rs779899857, ClinGen allele CA768946.

ClinVar aggregate classification (germline): Uncertain significance (1 of 4 stars; one submission).

Conditions:
Autosomal recessive severe congenital neutropenia due to CSF3R deficiency. Also called: Neutropenia, severe congenital, 7, autosomal recessive. Identifiers: Orphanet 420702, MedGen C4310764, MONDO:0014865, OMIM 617014.

Allele frequency attached by ClinVar (database versions not stated): TOPMed below 0.00001; ExAC 0.00001.
gnomAD v4.1: 3 of 1,614,188 alleles (0.00019%); highest among the groups gnomAD compares: Non-Finnish European, 0.00025%; no homozygotes.

Submission:

Labcorp Genetics (formerly Invitae), Labcorp
Classification: Uncertain significance for Autosomal recessive severe congenital neutropenia due to CSF3R deficiency. Last evaluated: 2024-09-15. Review status: criteria provided, single submitter. Criteria: Invitae Variant Classification Sherloc (09022015). Collection method: clinical testing. Allele origin: germline.
Comment: This sequence change replaces proline, which is neutral and non-polar, with leucine, which is neutral and non-polar, at codon 708 of the CSF3R protein (p.Pro708Leu). This variant is present in population databases (rs779899857, gnomAD 0.0009%). This variant has not been reported in the literature in individuals affected with CSF3R-related conditions. Invitae Evidence Modeling of protein sequence and biophysical properties (such as structural, functional, and spatial information, amino acid conservation, physicochemical variation, residue mobility, and thermodynamic stability) indicates that this missense variant is not expected to disrupt CSF3R protein function with a negative predictive value of 80%. In summary, the available evidence is currently insufficient to determine the role of this variant in disease. Therefore, it has been classified as a Variant of Uncertain Significance.